The following is an entry in ClinVar:

ClinVar aggregate classification (germline): Likely benign (1 of 4 stars; one submission).

Allele frequency attached by ClinVar (database versions not stated): ExAC 0.00003; TOPMed 0.00003; gnomAD 0.00004; ESP Exome Variant Server 0.00008.

Submission:

CeGaT Center for Human Genetics Tuebingen
Classification: Likely benign. Last evaluated: 2026-06-01. Review status: criteria provided, single submitter. Criteria: CeGaT Center For Human Genetics Tuebingen Variant Classification Criteria Version 2. Collection method: clinical testing. Allele origin: germline. Affected: yes. Observed: 2 variant alleles.
Comment: SALL4: BP4

NM_020436.5(SALL4):c.212C>T (p.Thr71Met)

Gene: SALL4 (spalt like transcription factor 4; minus strand). Cytogenetic location: 20q13.2.
Variant type: single nucleotide variant.
Coding change: c.212C>T on transcript NM_020436.5 (MANE Select); coding-DNA position 212, C replaced by T.
Protein change: p.Thr71Met; replaces threonine 71 with methionine.
Molecular consequence: missense variant.
Genome position (GRCh38, 1-based): chr20:51,792,271, G>A on the plus strand (C>T on the coding strand, the complement: SALL4 is on the minus strand). VCF-style: chr20-51792271-G-A. GRCh37 (hg19) VCF-style: chr20-50408810-G-A.
Other names: c.212C>T, p.Thr71Met (NM_001318031.2); short protein forms T71M.
Identifiers: ClinVar variation 1711540 (VCV001711540.30), dbSNP rs374255657, ClinGen allele CA9912510.
Genomic context (GRCh38, chr20:51,792,271, plus strand): 5'-TTATGTTCCAGGAACTCAGAGATGCTGAAGAACTCCGCACAGCATTTCTCACAGACGTGC[G>A]TCTCCTCCCGACGAAGCCGCTTTACTGTGGCTTCATCCTCACTCGCCACCTCGTCATTCC-3'
Protein context (NP_065169.1, residues 61-81): ATVKRLRREE[Thr71Met]HVCEKCCAEF